The following is an entry in ClinVar:

ClinVar aggregate classification (germline): Uncertain significance (1 of 4 stars; one submission).

Allele frequency attached by ClinVar (database versions not stated): TOPMed 0.00001.
gnomAD v4.1: 11 of 1,614,034 alleles (0.00068%); highest among the groups gnomAD compares: South Asian, 0.0011%; no homozygotes.

Submission:

CeGaT Center for Human Genetics Tuebingen
Classification: Uncertain significance. Last evaluated: 2022-08-01. Review status: criteria provided, single submitter. Criteria: CeGaT Center For Human Genetics Tuebingen Variant Classification Criteria Version 2. Collection method: clinical testing. Allele origin: germline. Affected: yes. Observed: 1 variant allele.
Comment: PARK7: PM2

NM_007262.5(PARK7):c.433C>A (p.Arg145Ser)

Gene: PARK7 (Parkinsonism associated deglycase; plus strand). Cytogenetic location: 1p36.23.
Variant type: single nucleotide variant.
Coding change: c.433C>A on transcript NM_007262.5 (MANE Select); coding-DNA position 433, C replaced by A.
Protein change: p.Arg145Ser; replaces arginine 145 with serine.
Molecular consequence: missense variant.
Genome position (GRCh38, 1-based): chr1:7,984,917, C>A. VCF-style: chr1-7984917-C-A. GRCh37 (hg19) VCF-style: chr1-8044977-C-A.
Other names: c.433C>A, p.Arg145Ser (NM_001123377.2); short protein forms R145S.
Identifiers: ClinVar variation 1711206 (VCV001711206.30), dbSNP rs768782230, ClinGen allele CA17286812.
Genomic context (GRCh38, chr1:7,984,917, plus strand): 5'-CCATTAGGATGTCACCTTTTCTGTTTCTACTTTGCAGGTCATTACACCTACTCTGAGAAT[C>A]GTGTGGAAAAAGACGGCCTGATTCTTACAAGCCGGGGGCCTGGGACCAGCTTCGAGTTTG-3'
Protein context (NP_009193.2, residues 135-155): NGGHYTYSEN[Arg145Ser]VEKDGLILTS